The following is an entry in ClinVar:

ClinVar aggregate classification (germline): Uncertain significance. Review status: criteria provided, multiple submitters, no conflicts (2 of 4 stars). 3 submissions from 3 submitters: Uncertain significance (3). Last evaluated 2026-04-21.

Conditions:
PLEC-related disorder. Also called: PLEC-related disorders; PLEC-related condition.
Epidermolysis bullosa simplex with nail dystrophy (EBS5D). Identifiers: MedGen C4225309, MONDO:0014661, OMIM 616487.
Autosomal recessive limb-girdle muscular dystrophy type 2Q (LGMDR17). Also called: MUSCULAR DYSTROPHY, LIMB-GIRDLE, AUTOSOMAL RECESSIVE 17. Identifiers: Orphanet 254361, MedGen C3150989, MONDO:0013390, OMIM 613723.
Epidermolysis bullosa simplex 5C, with pyloric atresia (EBS5C). Also called: PLEC-Related Epidermolysis Bullosa with Pyloric Atresia; Epidermolysis bullosa simplex with pyloric atresia; PLEC1-Related Epidermolysis Bullosa with Pyloric Atresia. Identifiers: Orphanet 158684, MedGen C2677349, MONDO:0012807, OMIM 612138.
Epidermolysis bullosa simplex 5B, with muscular dystrophy (EBS5B). Also called: EPIDERMOLYSIS BULLOSA SIMPLEX AND LIMB-GIRDLE MUSCULAR DYSTROPHY; Epidermolysis bullosa simplex with muscular dystrophy. Identifiers: Orphanet 257, MedGen C2931072, MONDO:0009181, OMIM 226670.
Epidermolysis bullosa simplex, Ogna type (EBS5A). Also called: Pidermolysis bullosa simplex 5A, Ogna type; EPIDERMOLYSIS BULLOSA SIMPLEX 5A, OGNA TYPE. Identifiers: Orphanet 79401, MedGen C0432317, MONDO:0007555, OMIM 131950.

Allele frequency attached by ClinVar (database versions not stated): gnomAD below 0.00001 and 0.00001; TOPMed below 0.00001; gnomAD exomes 0.00001 and 0.00002.
gnomAD v4.1: 12 of 1,577,266 alleles (0.00076%); highest among the groups gnomAD compares: Admixed American, 0.0052%; no homozygotes.

Submissions (3):

PreventionGenetics, part of Exact Sciences
Classification: Uncertain significance for PLEC-related condition. Last evaluated: 2026-04-21. Review status: criteria provided, single submitter. Criteria: ACMG Guidelines, 2015. Collection method: clinical testing. Allele origin: germline.
Comment: The PLEC c.5024C>T variant is predicted to result in the amino acid substitution p.Ala1675Val. To our knowledge, this variant has not been reported in the literature. This variant is reported in 0.0096% of alleles in individuals of Latino descent in gnomAD. At this time, the clinical significance of this variant is uncertain due to the absence of conclusive functional and genetic evidence.

Labcorp Genetics (formerly Invitae), Labcorp
Classification: Uncertain significance for Autosomal recessive limb-girdle muscular dystrophy type 2Q; Epidermolysis bullosa simplex, Ogna type; Epidermolysis bullosa simplex with nail dystrophy; Epidermolysis bullosa simplex 5C, with pyloric atresia; Epidermolysis bullosa simplex 5B, with muscular dystrophy. Last evaluated: 2023-03-26. Review status: criteria provided, single submitter. Criteria: Invitae Variant Classification Sherloc (09022015). Collection method: clinical testing. Allele origin: germline.
Comment: In summary, the available evidence is currently insufficient to determine the role of this variant in disease. Therefore, it has been classified as a Variant of Uncertain Significance. Experimental studies and prediction algorithms are not available or were not evaluated, and the functional significance of this variant is currently unknown. ClinVar contains an entry for this variant (Variation ID: 281967). This variant has not been reported in the literature in individuals affected with PLEC-related conditions. The frequency data for this variant in the population databases is considered unreliable, as metrics indicate poor data quality at this position in the gnomAD database. This sequence change replaces alanine, which is neutral and non-polar, with valine, which is neutral and non-polar, at codon 1675 of the PLEC protein (p.Ala1675Val).

Eurofins Ntd Llc (ga)
Classification: Uncertain significance. Last evaluated: 2015-07-20. Review status: criteria provided, single submitter. Criteria: EGL Classification Definitions 2015. Collection method: clinical testing. Allele origin: germline. Observed: 1 variant allele, 1 heterozygote.

NM_201384.3(PLEC):c.4943C>T (p.Ala1648Val)

Gene: PLEC (plectin; minus strand). Cytogenetic location: 8q24.3.
Variant type: single nucleotide variant.
Coding change: c.4943C>T on transcript NM_201384.3 (MANE Select); coding-DNA position 4943, C replaced by T.
Protein change: p.Ala1648Val; replaces alanine 1648 with valine.
Molecular consequence: missense variant.
Genome position (GRCh38, 1-based): chr8:143,924,986, G>A on the plus strand (C>T on the coding strand, the complement: PLEC is on the minus strand). VCF-style: chr8-143924986-G-A. GRCh37 (hg19) VCF-style: chr8-144999154-G-A.
Other names: c.5024C>T, p.Ala1675Val (NM_000445.5); c.4901C>T, p.Ala1634Val (NM_201378.4); c.4877C>T, p.Ala1626Val (NM_201379.3); c.5354C>T, p.Ala1785Val (NM_201380.4); c.4847C>T, p.Ala1616Val (NM_201381.3); c.4943C>T, p.Ala1648Val (NM_201382.4); c.4955C>T, p.Ala1652Val (NM_201383.3); c.5024C>T (NM_000445.4); short protein forms A1634V, A1648V, A1652V, A1626V, A1675V, A1785V, A1616V.
Identifiers: ClinVar variation 281967 (VCV000281967.13), dbSNP rs886044785, ClinGen allele CA10604023.